The following is an entry in ClinVar:

NM_139343.3(BIN1):c.703G>A (p.Val235Ile)

Gene: BIN1 (bridging integrator 1; minus strand). Cytogenetic location: 2q14.3.
Variant type: single nucleotide variant.
Coding change: c.703G>A on transcript NM_139343.3 (MANE Select); coding-DNA position 703, G replaced by A.
Protein change: p.Val235Ile; replaces valine 235 with isoleucine.
Molecular consequence: missense variant.
Genome position (GRCh38, 1-based): chr2:127,063,642, C>T on the plus strand (G>A on the coding strand, the complement: BIN1 is on the minus strand). VCF-style: chr2-127063642-C-T. GRCh37 (hg19) VCF-style: chr2-127821218-C-T.
Other names: c.610G>A, p.Val204Ile (NM_001320632.2, NM_001320641.2, NM_004305.4 and 6 more transcripts); c.703G>A, p.Val235Ile (NM_001320633.2, NM_001320640.2, NM_139344.3 and 1 more transcripts); c.538G>A, p.Val180Ile (NM_001320634.1); c.622G>A, p.Val208Ile (NM_001320642.1); short protein forms V180I, V208I, V235I, V204I.
Identifiers: ClinVar variation 3700977 (VCV003700977.2).

ClinVar aggregate classification (germline): Uncertain significance (1 of 4 stars; one submission).

Conditions:
Myopathy, centronuclear, 2 (CNM2). Also called: MYOTUBULAR MYOPATHY, AUTOSOMAL RECESSIVE. Identifiers: Orphanet 169186, MedGen CN031787, MONDO:0009709, OMIM 255200.

gnomAD v4.1: 12 of 1,613,450 alleles (0.00074%); highest among the groups gnomAD compares: South Asian, 0.0033%; no homozygotes.

Submission:

Labcorp Genetics (formerly Invitae), Labcorp
Classification: Uncertain significance for Myopathy, centronuclear, 2. Last evaluated: 2024-03-07. Review status: criteria provided, single submitter. Criteria: Invitae Variant Classification Sherloc (09022015). Collection method: clinical testing. Allele origin: germline.
Comment: This sequence change replaces valine, which is neutral and non-polar, with isoleucine, which is neutral and non-polar, at codon 235 of the BIN1 protein (p.Val235Ile). This variant is present in population databases (rs772153287, gnomAD 0.003%). This variant has not been reported in the literature in individuals affected with BIN1-related conditions. Advanced modeling of protein sequence and biophysical properties (such as structural, functional, and spatial information, amino acid conservation, physicochemical variation, residue mobility, and thermodynamic stability) performed at Invitae indicates that this missense variant is not expected to disrupt BIN1 protein function with a negative predictive value of 80%. In summary, the available evidence is currently insufficient to determine the role of this variant in disease. Therefore, it has been classified as a Variant of Uncertain Significance.